The following is an entry in ClinVar:

ClinVar aggregate classification (germline): Likely pathogenic (1 of 4 stars; one submission).

Conditions:
Hereditary hyperinsulinism.

Submission:

Natera, Inc.
Classification: Likely pathogenic for Hereditary hyperinsulinism. Last evaluated: 2025-07-20. Review status: criteria provided, single submitter. Criteria: Natera Variant Classification Schema (03/2026). Collection method: clinical testing. Allele origin: germline.
Comment: The c.2202_2203del variant in ABCC8 is a frameshift variant predicted to shift the reading frame beginning at codon 736 and leads to a stop codon 8 codons downstream. This variant is expected to result in nonsense mediated decay, truncation, or a dysfunctional protein product. This variant is rare in the general population with a frequency below the threshold expected for the associated phenotype(s). Given the available evidence, this variant is classified as Likely Pathogenic.

NM_000352.6(ABCC8):c.2202_2203del (p.Ala736fs)

Gene: ABCC8 (ATP binding cassette subfamily C member 8; minus strand). Cytogenetic location: 11p15.1.
Variant type: Deletion.
Coding change: c.2202_2203del on transcript NM_000352.6 (MANE Select); coding-DNA positions 2202 to 2203, 2 bases deleted (AG; older notation c.2202_2203delAG).
Protein change: p.Ala736fs; shifts the reading frame from alanine 736.
Molecular consequence: frameshift variant. On other transcripts: non-coding transcript variant (1).
Genome position (GRCh38, 1-based): chr11:17,427,068-17,427,069, CT deleted on the plus strand (AG on the coding strand, the reverse complement: ABCC8 is on the minus strand). VCF-style (leftmost placement, unchanged base first): chr11-17427067-CCT-C. GRCh37 (hg19) VCF-style: chr11-17448614-CCT-C.
Other names: c.2202_2203del, p.Ala736fs (NM_001287174.3); c.2268_2269del, p.Ala758fs (NM_001351295.2); c.2199_2200del, p.Ala735fs (NM_001351296.2, NM_001351297.2); short protein forms A735fs, A736fs, A758fs.
Identifiers: ClinVar variation 4818243 (VCV004818243.1).